The following is an entry in ClinVar:

ClinVar aggregate classification (germline): Uncertain significance (1 of 4 stars; one submission).

Conditions:
Acrofacial dysostosis Cincinnati type. Identifiers: Orphanet 1200, MedGen C4225317, MONDO:0014651, OMIM 616462.

Submission:

Broad Center for Mendelian Genomics, Broad Institute of MIT and Harvard
Classification: Uncertain significance for Acrofacial dysostosis Cincinnati type. Last evaluated: 2026-08-12. Review status: criteria provided, single submitter. Criteria: ACMG Guidelines, 2015. Collection method: research. Allele origin: germline. Inheritance: Autosomal dominant inheritance. Study: GREGoR Consortium.
Comment: Trio genome analysis showed this variant to be de novo. The c.2059-2900G>A variant in POLR1A has not been previously reported in the literature in individuals with acrofacial dysostosis, Cincinnati type, and was absent from large population studies. This variant is located in the 3’ splice region. Computational tools suggest an impact to splicing. However, this information is not predictive enough to determine pathogenicity. In summary, the clinical significance of the c.2059-2910G>A variant is uncertain. ACMG/AMP Criteria applied: PP3, PM2_supporting, PS2_supporting (Richards 2015).

NM_015425.6(POLR1A):c.2059-2910G>A

Gene: POLR1A (RNA polymerase I subunit A; minus strand). Cytogenetic location: 2p11.2.
Variant type: single nucleotide variant.
Coding change: c.2059-2910G>A on transcript NM_015425.6 (MANE Select); 2910 bases into the intron before coding-DNA position 2059, G replaced by A.
Molecular consequence: intron variant.
Genome position (GRCh38, 1-based): chr2:86,057,199, C>T on the plus strand (G>A on the coding strand, the complement: POLR1A is on the minus strand). VCF-style: chr2-86057199-C-T. GRCh37 (hg19) VCF-style: chr2-86284322-C-T.
Other names: NM_015425.6:c.2059-2910G>A.
Identifiers: ClinVar variation 4974522 (VCV004974522.1).